The following is an entry in ClinVar:

ClinVar aggregate classification (germline): Likely benign (1 of 4 stars; one submission).

Allele frequency attached by ClinVar (database versions not stated): 1000 Genomes Project 30x 0.00141; 1000 Genomes Project 0.00160; ESP Exome Variant Server 0.00185; TOPMed 0.00189; gnomAD 0.00282; ExAC 0.00347.
gnomAD v4.1: 4,766 of 1,614,050 alleles (0.3%); highest among the groups gnomAD compares: Middle Eastern, 0.46%; 16 homozygotes.

Submission:

CeGaT Center for Human Genetics Tuebingen
Classification: Likely benign. Last evaluated: 2023-03-01. Review status: criteria provided, single submitter. Criteria: CeGaT Center For Human Genetics Tuebingen Variant Classification Criteria Version 2. Collection method: clinical testing. Allele origin: germline. Affected: yes. Observed: 4 variant alleles.
Comment: EXOC7: BS2

NM_001013839.4(EXOC7):c.583G>A (p.Val195Met)

Gene: EXOC7 (exocyst complex component 7; minus strand). Cytogenetic location: 17q25.1.
Variant type: single nucleotide variant.
Coding change: c.583G>A on transcript NM_001013839.4 (MANE Select); coding-DNA position 583, G replaced by A.
Protein change: p.Val195Met; replaces valine 195 with methionine.
Molecular consequence: missense variant.
Genome position (GRCh38, 1-based): chr17:76,097,853, C>T on the plus strand (G>A on the coding strand, the complement: EXOC7 is on the minus strand). VCF-style: chr17-76097853-C-T. GRCh37 (hg19) VCF-style: chr17-74093934-C-T.
Other names: c.460G>A, p.Val154Met (NM_001145296.1, NM_001282313.2); c.583G>A, p.Val195Met (NM_001145297.4, NM_001145298.4, NM_001145299.4 and 4 more transcripts); short protein forms V154M, V195M.
Identifiers: ClinVar variation 2648296 (VCV002648296.24), dbSNP rs151088510, ClinGen allele CA8781620.
Genomic context (GRCh38, chr17:76,097,853, plus strand): 5'-TACCTTGGTTGCGGCCATATTCCACCAGCCAGCGGGAGATGCGAATGACATCCTGGAGCA[C>T]GCTCTCGGGCAGGTGCTCCAGGGTCACGTCCTCCTGGGCCTCCAGATCATCGTCACCACT-3'
Protein context (NP_001013861.1, residues 185-205): DVTLEHLPES[Val195Met]LQDVIRISRW